The following is an entry in ClinVar:

NM_001130823.3(DNMT1):c.1320C>T (p.Thr440=)

Gene: DNMT1 (DNA methyltransferase 1; minus strand). Cytogenetic location: 19p13.2.
Variant type: single nucleotide variant.
Coding change: c.1320C>T on transcript NM_001130823.3 (MANE Select); coding-DNA position 1320, C replaced by T.
Protein change: p.Thr440=; no amino-acid change (threonine 440 retained).
Molecular consequence: synonymous variant.
Genome position (GRCh38, 1-based): chr19:10,156,470, G>A on the plus strand (C>T on the coding strand, the complement: DNMT1 is on the minus strand). VCF-style: chr19-10156470-G-A. GRCh37 (hg19) VCF-style: chr19-10267146-G-A.
Other names: c.1272C>T, p.Thr424= (NM_001318730.2, NM_001379.4); c.957C>T, p.Thr319= (NM_001318731.2); c.1320C>T (LRG_362t1).
Identifiers: ClinVar variation 539624 (VCV000539624.52), dbSNP rs143925123, ClinGen allele CA9188319.
Genomic context (GRCh38, chr19:10,156,470, plus strand): 5'-ATCATAGATTGGTTTTGCTGAACCAGAAAAGAAGAGTTCGATATTCTTCTCGATGAGGCC[G>A]GTGTCGATGGGACACAGGTGACCGTGCTTACAGTACACACTAGACAGGAAACAAAGCACA-3'
Protein context (NP_001124295.1, residues 430-450): CKHGHLCPID[Thr440=]GLIEKNIELF

ClinVar aggregate classification (germline): Likely benign. Review status: criteria provided, multiple submitters, no conflicts (2 of 4 stars). 2 submissions from 2 submitters: Likely benign (2). Last evaluated 2026-07-01.

Conditions:
Hereditary sensory neuropathy-deafness-dementia syndrome. Also called: Hereditary sensory neuropathy type IE; HSN IE; Hereditary Sensory and Autonomic Neuropathy Type 1E (HSAN1E); NEUROPATHY, HEREDITARY SENSORY, WITH HEARING LOSS AND DEMENTIA. Identifiers: Orphanet 456318, MedGen C3279885, MONDO:0013584, OMIM 614116.

Allele frequency attached by ClinVar (database versions not stated): ESP Exome Variant Server 0.00008; TOPMed 0.00010; gnomAD 0.00011.
gnomAD v4.1: 111 of 1,613,098 alleles (0.0069%); highest among the groups gnomAD compares: Non-Finnish European, 0.0088%; no homozygotes.

Submissions (2):

CeGaT Center for Human Genetics Tuebingen
Classification: Likely benign. Last evaluated: 2026-07-01. Review status: criteria provided, single submitter. Criteria: CeGaT Center For Human Genetics Tuebingen Variant Classification Criteria Version 2. Collection method: clinical testing. Allele origin: germline. Affected: yes. Observed: 3 variant alleles.
Comment: DNMT1: BP4, BP7

Labcorp Genetics (formerly Invitae), Labcorp
Classification: Likely benign for Hereditary sensory neuropathy-deafness-dementia syndrome. Last evaluated: 2025-07-31. Review status: criteria provided, single submitter. Criteria: Invitae Variant Classification Sherloc (09022015). Collection method: clinical testing. Allele origin: germline.